The following is an entry in ClinVar:

ClinVar aggregate classification (germline): Likely benign. Review status: criteria provided, single submitter (1 of 4 stars). 2 submissions from 2 submitters: Likely benign (1). 1 of the submissions does not count toward it. Last evaluated 2025-12-05.

Conditions:
SLC30A10-related disorder. Also called: SLC30A10-related condition.

Allele frequency attached by ClinVar (database versions not stated): TOPMed 0.00002; gnomAD exomes 0.00005; gnomAD 0.00003; ExAC 0.00010.
gnomAD v4.1: 82 of 1,614,226 alleles (0.0051%); highest among the groups gnomAD compares: South Asian, 0.088%; 1 homozygote.

Submissions (2):

Mayo Clinic Laboratories, Mayo Clinic
Classification: Likely benign. Last evaluated: 2025-12-05. Review status: criteria provided, single submitter. Criteria: ACMG Guidelines, 2015. Collection method: clinical testing. Allele origin: germline. Observed: 1 variant allele.
Comment: BP4, BP7

PreventionGenetics, part of Exact Sciences
Classification: Likely benign for SLC30A10-related condition. Last evaluated: 2019-12-30. Review status: no assertion criteria provided. Collection method: clinical testing. Allele origin: germline. Not counted in ClinVar's aggregate classification.
Comment: This variant is classified as likely benign based on ACMG/AMP sequence variant interpretation guidelines (Richards et al. 2015 PMID: 25741868, with internal and published modifications).

NM_018713.3(SLC30A10):c.1387C>T (p.Leu463=)

Gene: SLC30A10 (solute carrier family 30 member 10; minus strand). Cytogenetic location: 1q41.
Variant type: single nucleotide variant.
Coding change: c.1387C>T on transcript NM_018713.3 (MANE Select); coding-DNA position 1387, C replaced by T.
Protein change: p.Leu463=; no amino-acid change (leucine 463 retained).
Molecular consequence: synonymous variant.
Genome position (GRCh38, 1-based): chr1:219,915,520, G>A on the plus strand (C>T on the coding strand, the complement: SLC30A10 is on the minus strand). VCF-style: chr1-219915520-G-A. GRCh37 (hg19) VCF-style: chr1-220088862-G-A.
Other names: p.Leu463=; c.1198C>T, p.Leu400= (NM_001376929.1); c.712C>T, p.Leu238= (NM_001416004.1, NM_001416005.1).
Identifiers: ClinVar variation 3043280 (VCV003043280.3), dbSNP rs763073204, ClinGen allele CA1399118.